The following is an entry in ClinVar:

ClinVar aggregate classification (germline): Uncertain significance (1 of 4 stars; one submission).

Submission:

GeneDx
Classification: Uncertain significance. Last evaluated: 2019-05-15. Review status: criteria provided, single submitter. Criteria: GeneDx Variant Classification Process June 2021. Collection method: clinical testing. Allele origin: germline. Affected: yes.
Comment: Not observed in large population cohorts (Lek et al., 2016); In silico analysis, which includes protein predictors and evolutionary conservation, supports a deleterious effect; Has not been previously published as pathogenic or benign to our knowledge; Variants in candidate genes are classified as variants of uncertain significance in accordance with ACMG guidelines (Richards et al., 2015); This variant is associated with the following publications: (PMID: 33098801)

NM_000884.3(IMPDH2):c.619G>C (p.Gly207Arg)

Gene: IMPDH2 (inosine monophosphate dehydrogenase 2; minus strand). Cytogenetic location: 3p21.31.
Variant type: single nucleotide variant.
Coding change: c.619G>C on transcript NM_000884.3 (MANE Select); coding-DNA position 619, G replaced by C.
Protein change: p.Gly207Arg; replaces glycine 207 with arginine.
Molecular consequence: missense variant.
Genome position (GRCh38, 1-based): chr3:49,026,960, C>G on the plus strand (G>C on the coding strand, the complement: IMPDH2 is on the minus strand). VCF-style: chr3-49026960-C-G. GRCh37 (hg19) VCF-style: chr3-49064393-C-G.
Other names: short protein forms G207R.
Identifiers: ClinVar variation 1305966 (VCV001305966.2), dbSNP rs2106787098, ClinGen allele CA352741476.